The following is an entry in ClinVar:

NM_014846.4(WASHC5):c.3182-2A>G

Genes: WASHC5 (WASH complex subunit 5; minus strand), LOC126860498 (P300/CBP strongly-dependent group 1 enhancer GRCh37_chr8:126043836-126045035; plus strand). Cytogenetic location: 8q24.13.
Variant type: single nucleotide variant.
Coding change: c.3182-2A>G on transcript NM_014846.4 (MANE Select); the canonical splice acceptor site of the intron before coding-DNA position 3182, A replaced by G.
Molecular consequence: splice acceptor variant.
Genome position (GRCh38, 1-based): chr8:125,032,396, T>C on the plus strand (A>G on the coding strand, the complement: WASHC5 is on the minus strand). VCF-style: chr8-125032396-T-C. GRCh37 (hg19) VCF-style: chr8-126044638-T-C.
Other names: c.2738-2A>G (NM_001330609.2).
Identifiers: ClinVar variation 3256600 (VCV003256600.1).

ClinVar aggregate classification (germline): Likely pathogenic (1 of 4 stars; one submission).

Conditions:
Ritscher-Schinzel syndrome 1 (RTSC1). Identifiers: Orphanet 7, MedGen C4551776, MONDO:0009073, OMIM 220210.

gnomAD v4.1: 2 of 1,613,858 alleles (0.00012%); highest among the groups gnomAD compares: African/African-American, 0.0013%; no homozygotes.

Submission:

Centre for Inherited Metabolic Diseases, Karolinska University Hospital
Classification: Likely pathogenic for Ritscher-Schinzel syndrome 1. Last evaluated: 2024-07-23. Review status: criteria provided, single submitter. Criteria: ACMG Guidelines, 2015. Collection method: clinical testing. Allele origin: inherited. Inheritance: Autosomal recessive inheritance. Affected: yes. Observed: 1 compound heterozygote.
Comment: Sanger sequencing of cDNA from mRNA isolated from blood has shown that the variant has an effect on splicing.